The following is an entry in ClinVar:

ClinVar aggregate classification (germline): Conflicting classifications of pathogenicity. Review status: criteria provided, conflicting classifications (1 of 4 stars). 3 submissions from 3 submitters: Uncertain significance (2); Likely benign (1). Last evaluated 2026-01-05.

Conditions:
Developmental and epileptic encephalopathy 94 (DEE94). Also called: Epileptic encephalopathy, childhood-onset; CHD2-Related Neurodevelopmental Disorders. Identifiers: Orphanet 1942, Orphanet 2382, MedGen C3809278, MONDO:0014150, OMIM 615369.

Allele frequency attached by ClinVar (database versions not stated): gnomAD exomes below 0.00001; gnomAD 0.00001; TOPMed 0.00001.
gnomAD v4.1: 8 of 1,614,018 alleles (0.0005%); highest among the groups gnomAD compares: African/African-American, 0.0027%; no homozygotes.

Submissions (3):

Labcorp Genetics (formerly Invitae), Labcorp
Classification: Uncertain significance for Developmental and epileptic encephalopathy 94. Last evaluated: 2026-01-05. Review status: criteria provided, single submitter. Criteria: Invitae Variant Classification Sherloc (09022015). Collection method: clinical testing. Allele origin: germline.
Comment: This sequence change replaces asparagine, which is neutral and polar, with serine, which is neutral and polar, at codon 1654 of the CHD2 protein (p.Asn1654Ser). This variant is present in population databases (no rsID available, gnomAD 0.01%). This variant has not been reported in the literature in individuals affected with CHD2-related conditions. ClinVar contains an entry for this variant (Variation ID: 421694). Invitae Evidence Modeling of protein sequence and biophysical properties (such as structural, functional, and spatial information, amino acid conservation, physicochemical variation, residue mobility, and thermodynamic stability) indicates that this missense variant is not expected to disrupt CHD2 protein function with a negative predictive value of 95%. In summary, the available evidence is currently insufficient to determine the role of this variant in disease. Therefore, it has been classified as a Variant of Uncertain Significance.

Neuberg Centre For Genomic Medicine, NCGM
Classification: Uncertain significance for Developmental and epileptic encephalopathy 94. Last evaluated: 2023-05-20. Review status: criteria provided, single submitter. Criteria: ACMG Guidelines, 2015. Collection method: clinical testing. Allele origin: germline. Inheritance: Autosomal dominant inheritance. Affected: yes.
Comment: The observed missense variant c.4961A>G (p.Asn1654Ser) in the CHD2 gene has not been reported previously as a pathogenic variant nor as a benign variant, to our knowledge. This variant is reported with the allele frequency 0.003% in the gnomAD Exomes. This variant has been reported to the ClinVar database as Conflicting interpretations of pathogenicity (Uncertain significance/Likely benign). The amino acid Asparagine at position 1654 is changed to a Serine changing protein sequence and it might alter its composition and physico-chemical properties. Multiple lines of computational evidence (Polyphen - Benign, SIFT - Tolerated and MutationTaster - Polymorphism) predict no damaging effect on protein structure and function for this variant. The residue is conserved by GERP++ and PhyloP across 100 vertebrates. For these reasons, this variant has been classified as Uncertain Significance.

GeneDx
Classification: Likely benign. Last evaluated: 2017-08-03. Review status: criteria provided, single submitter. Criteria: GeneDx Variant Classification Process June 2021. Collection method: clinical testing. Allele origin: germline. Affected: yes.

NM_001271.4(CHD2):c.4961A>G (p.Asn1654Ser)

Gene: CHD2 (chromodomain helicase DNA binding protein 2; plus strand). Cytogenetic location: 15q26.1.
Variant type: single nucleotide variant.
Coding change: c.4961A>G on transcript NM_001271.4 (MANE Select); coding-DNA position 4961, A replaced by G.
Protein change: p.Asn1654Ser; replaces asparagine 1654 with serine.
Molecular consequence: missense variant.
Genome position (GRCh38, 1-based): chr15:93,020,066, A>G. VCF-style: chr15-93020066-A-G. GRCh37 (hg19) VCF-style: chr15-93563296-A-G.
Other names: short protein forms N1654S.
Identifiers: ClinVar variation 421694 (VCV000421694.11), dbSNP rs1064795301, ClinGen allele CA16620059.